The following is an entry in ClinVar:

ClinVar aggregate classification (germline): Uncertain significance. Review status: criteria provided, multiple submitters, no conflicts (2 of 4 stars). 2 submissions from 2 submitters: Uncertain significance (2). Last evaluated 2025-09-03.

Conditions:
Inborn genetic diseases. Identifiers: MedGen C0950123, MeSH D030342.

gnomAD v4.1: 3 of 1,612,090 alleles (0.00019%); highest among the groups gnomAD compares: South Asian, 0.0011%; no homozygotes.

Submissions (2):

Labcorp Genetics (formerly Invitae), Labcorp
Classification: Uncertain significance. Last evaluated: 2025-09-03. Review status: criteria provided, single submitter. Criteria: Invitae Variant Classification Sherloc (09022015). Collection method: clinical testing. Allele origin: germline.
Comment: This sequence change replaces cysteine, which is neutral and slightly polar, with serine, which is neutral and polar, at codon 684 of the LTBP4 protein (p.Cys684Ser). This variant is present in population databases (no rsID available, gnomAD 0.003%). This variant has not been reported in the literature in individuals affected with LTBP4-related conditions. ClinVar contains an entry for this variant (Variation ID: 2961019). Experimental studies and prediction algorithms are not available or were not evaluated, and the functional significance of this variant is currently unknown. In summary, the available evidence is currently insufficient to determine the role of this variant in disease. Therefore, it has been classified as a Variant of Uncertain Significance.

Ambry Genetics
Classification: Uncertain significance for Inborn genetic diseases. Last evaluated: 2025-03-05. Review status: criteria provided, single submitter. Criteria: Ambry Variant Classification Scheme 2023. Collection method: clinical testing. Allele origin: germline.

NM_001042545.2(LTBP4):c.1961G>C (p.Cys654Ser)

Gene: LTBP4 (latent transforming growth factor beta binding protein 4; plus strand). Cytogenetic location: 19q13.2.
Variant type: single nucleotide variant.
Coding change: c.1961G>C on transcript NM_001042545.2 (MANE Select); coding-DNA position 1961, G replaced by C.
Protein change: p.Cys654Ser; replaces cysteine 654 with serine.
Molecular consequence: missense variant.
Genome position (GRCh38, 1-based): chr19:40,611,302, G>C. VCF-style: chr19-40611302-G-C. GRCh37 (hg19) VCF-style: chr19-41117208-G-C.
Other names: c.2162G>C, p.Cys721Ser (NM_001042544.1); c.2051G>C, p.Cys684Ser (NM_003573.2); short protein forms C654S, C684S, C721S.
Identifiers: ClinVar variation 2961019 (VCV002961019.4), dbSNP rs750946756, ClinGen allele CA405937855.
Genomic context (GRCh38, chr19:40,611,302, plus strand): 5'-GCTTCCGGGGCTCGGCGTGTGAAGAGGATGTGGATGAGTGTGCCCAGGAGCCGCCGCCCT[G>C]TGGGCCCGGCCGCTGTGACAACACGGCAGGCTCCTTTCACTGTGCCTGCCCTGCTGGCTT-3'
Protein context (NP_001036010.1, residues 644-664): VDECAQEPPP[Cys654Ser]GPGRCDNTAG